The following is an entry in ClinVar:

NM_016379.4(VCX3A):c.*9C>G

Genes: VCX3A (variable charge X-linked 3A; minus strand), LOC106029240 (S232-VCX3A recombination region; plus strand). Cytogenetic location: Xp22.31.
Variant type: single nucleotide variant.
Coding change: c.*9C>G on transcript NM_016379.4 (MANE Select); 9 bases downstream of the stop codon, C replaced by G.
Molecular consequence: 3 prime UTR variant.
Genome position (GRCh38, 1-based): chrX:6,533,736, G>C on the plus strand (C>G on the coding strand, the complement: VCX3A is on the minus strand). VCF-style: chrX-6533736-G-C. GRCh37 (hg19) VCF-style: chrX-6451777-G-C.
Identifiers: ClinVar variation 3060492 (VCV003060492.2), dbSNP rs77413590, ClinGen allele CA10341395.

ClinVar aggregate classification (germline): Likely benign (0 of 4 stars; one submission).

Conditions:
VCX3A-related disorder. Also called: VCX3A-related condition.

Allele frequency attached by ClinVar (database versions not stated): ExAC 0.00064; gnomAD 0.01753.
gnomAD v4.1: 5,523 of 966,755 alleles (0.57%); highest among the groups gnomAD compares: African/African-American, 2.6%; 110 homozygotes.

Submission:

PreventionGenetics, part of Exact Sciences
Classification: Likely benign for VCX3A-related condition. Last evaluated: 2023-05-18. Review status: no assertion criteria provided. Collection method: clinical testing. Allele origin: germline.
Comment: This variant is classified as likely benign based on ACMG/AMP sequence variant interpretation guidelines (Richards et al. 2015 PMID: 25741868, with internal and published modifications).